The following is an entry in ClinVar:

NM_001145809.2(MYH14):c.2826+20del

Gene: MYH14 (myosin heavy chain 14; plus strand). Cytogenetic location: 19q13.33.
Variant type: Deletion.
Coding change: c.2826+20del on transcript NM_001145809.2 (MANE Select); 20 bases into the intron after coding-DNA position 2826, one base deleted (G; older notation c.2826+20delG).
Molecular consequence: intron variant.
Genome position (GRCh38, 1-based): chr19:50,267,028, G deleted; the last of 3 consecutive G bases (chr19:50,267,026-50,267,028); deleting any one gives the same sequence. VCF-style (leftmost placement, unchanged base first): chr19-50267025-AG-A. GRCh37 (hg19) VCF-style: chr19-50770282-AG-A.
Other names: c.2703+20delG (NM_024729.4); c.2727+20del (NM_001077186.2); c.2703+20del (NM_024729.4).
Identifiers: ClinVar variation 3615361 (VCV003615361.3).

ClinVar aggregate classification (germline): Likely benign. Review status: criteria provided, multiple submitters, no conflicts (2 of 4 stars). 2 submissions from 2 submitters: Likely benign (2). Last evaluated 2026-03-24.

Submissions (2):

Women's Health and Genetics/Laboratory Corporation of America, LabCorp
Classification: Likely benign. Last evaluated: 2026-03-24. Review status: criteria provided, single submitter. Criteria: LabCorp Variant Classification Summary - May 2015. Collection method: clinical testing. Allele origin: germline.
Comment: Variant summary: MYH14 c.2703+20delG alters a nucleotide located at a position not widely known to affect splicing. Consensus agreement among computation tools predict no significant impact on normal splicing. However, these predictions have yet to be confirmed by functional studies. The variant allele was found at a frequency of 2.1e-05 in 95404 control chromosomes. The available data on variant occurrences in the general population are insufficient to allow any conclusion about variant significance. To our knowledge, no occurrence of c.2703+20delG in individuals affected with MYH14-related conditions and no experimental evidence demonstrating its impact on protein function have been reported. ClinVar contains an entry for this variant (Variation ID: 3615361). Based on the evidence outlined above, the variant was classified as likely benign.

Labcorp Genetics (formerly Invitae), Labcorp
Classification: Likely benign. Last evaluated: 2024-12-13. Review status: criteria provided, single submitter. Criteria: Invitae Variant Classification Sherloc (09022015). Collection method: clinical testing. Allele origin: germline.